The following is an entry in ClinVar:

NM_000158.4(GBE1):c.2102C>T (p.Pro701Leu)

Gene: GBE1 (1,4-alpha-glucan branching enzyme 1; minus strand). Cytogenetic location: 3p12.2.
Variant type: single nucleotide variant.
Coding change: c.2102C>T on transcript NM_000158.4 (MANE Select); coding-DNA position 2102, C replaced by T.
Protein change: p.Pro701Leu; replaces proline 701 with leucine.
Molecular consequence: missense variant.
Genome position (GRCh38, 1-based): chr3:81,490,414, G>A on the plus strand (C>T on the coding strand, the complement: GBE1 is on the minus strand). VCF-style: chr3-81490414-G-A. GRCh37 (hg19) VCF-style: chr3-81539565-G-A.
Other names: p.Pro701Leu; short protein forms P701L.
Identifiers: ClinVar variation 1343403 (VCV001343403.3), dbSNP rs552335025, ClinGen allele CA2499457.

ClinVar aggregate classification (germline): Uncertain significance. Review status: criteria provided, multiple submitters, no conflicts (2 of 4 stars). 2 submissions from 2 submitters: Uncertain significance (2). Last evaluated 2023-10-17.

Conditions:
Polyneuropathy. Identifiers: MedGen C0152025, MONDO:0001824, HP:0001271.

Allele frequency attached by ClinVar (database versions not stated): ExAC 0.00001; gnomAD exomes 0.00002.
gnomAD v4.1: 30 of 1,612,434 alleles (0.0019%); highest among the groups gnomAD compares: South Asian, 0.013%; no homozygotes.

Submissions (2):

Mayo Clinic Laboratories, Mayo Clinic
Classification: Uncertain significance. Last evaluated: 2023-10-17. Review status: criteria provided, single submitter. Criteria: ACMG Guidelines, 2015. Collection method: clinical testing. Allele origin: germline. Observed: 1 variant allele.
Comment: BP4, PM2_moderate

Institute of Human Genetics, University of Goettingen
Classification: Uncertain significance for Polyneuropathy. Last evaluated: 2022-03-11. Review status: criteria provided, single submitter. Criteria: ACMG Guidelines, 2015. Collection method: clinical testing. Allele origin: biparental. Inheritance: Autosomal recessive inheritance. Affected: yes. Observed: 1 compound heterozygote.